The following is an entry in ClinVar:

ClinVar aggregate classification (germline): Uncertain significance. Review status: criteria provided, multiple submitters, no conflicts (2 of 4 stars). 4 submissions from 4 submitters: Uncertain significance (3). 1 of the submissions does not count toward it. Last evaluated 2024-03-22.

Conditions:
Glycogen storage disease, type V (GSD5). Also called: McArdle type glycogen storage disease; MCARDLE DISEASE; MUSCLE GLYCOGEN PHOSPHORYLASE DEFICIENCY; MYOPHOSPHORYLASE DEFICIENCY; PYGM DEFICIENCY. Identifiers: Orphanet 368, MedGen C0017924, MONDO:0009293, OMIM 232600.

Allele frequency attached by ClinVar (database versions not stated): ExAC 0.00002; gnomAD 0.00002; gnomAD exomes 0.00002 and 0.00004; TOPMed 0.00002.
gnomAD v4.1: 27 of 1,614,046 alleles (0.0017%); highest among the groups gnomAD compares: Admixed American, 0.023%; no homozygotes.

Submissions (4):

Fulgent Genetics
Classification: Uncertain significance for Glycogen storage disease, type V. Last evaluated: 2024-03-22. Review status: criteria provided, single submitter. Criteria: ACMG Guidelines, 2015. Collection method: clinical testing. Allele origin: germline.

Blueprint Genetics
Classification: Uncertain significance. Last evaluated: 2023-12-07. Review status: criteria provided, single submitter. Criteria: ACMG Guidelines, 2015. Collection method: clinical testing. Allele origin: germline.

Labcorp Genetics (formerly Invitae), Labcorp
Classification: Uncertain significance for Glycogen storage disease, type V. Last evaluated: 2018-07-04. Review status: criteria provided, single submitter. Criteria: Invitae Variant Classification Sherloc (09022015). Collection method: clinical testing. Allele origin: germline.
Comment: This sequence change replaces valine with methionine at codon 60 of the PYGM protein (p.Val60Met). The valine residue is highly conserved and there is a small physicochemical difference between valine and methionine. This variant is present in population databases (rs765962705, ExAC 0.01%). This variant has not been reported in the literature in individuals with PYGM-related disease. Algorithms developed to predict the effect of missense changes on protein structure and function are either unavailable or do not agree on the potential impact of this missense change (SIFT: "Deleterious"; PolyPhen-2: "Probably Damaging"; Align-GVGD: "Class C0"). In summary, the available evidence is currently insufficient to determine the role of this variant in disease. Therefore, it has been classified as a Variant of Uncertain Significance.

Natera, Inc.
Classification: Uncertain significance for Glycogen storage disease V. Last evaluated: 2019-10-28. Review status: no assertion criteria provided. Collection method: clinical testing. Allele origin: germline. Not counted in ClinVar's aggregate classification.

NM_005609.4(PYGM):c.178G>A (p.Val60Met)

Gene: PYGM (glycogen phosphorylase, muscle associated; minus strand). Cytogenetic location: 11q13.1.
Variant type: single nucleotide variant.
Coding change: c.178G>A on transcript NM_005609.4 (MANE Select); coding-DNA position 178, G replaced by A.
Protein change: p.Val60Met; replaces valine 60 with methionine.
Molecular consequence: missense variant.
Genome position (GRCh38, 1-based): chr11:64,759,721, C>T on the plus strand (G>A on the coding strand, the complement: PYGM is on the minus strand). VCF-style: chr11-64759721-C-T. GRCh37 (hg19) VCF-style: chr11-64527193-C-T.
Other names: c.178G>A, p.Val60Met (NM_001164716.1); short protein forms V60M.
Identifiers: ClinVar variation 572469 (VCV000572469.6), dbSNP rs765962705, ClinGen allele CA6080352.
Genomic context (GRCh38, chr11:64,759,721, plus strand): 5'-GGTCCTTCTCATAGTAGTGCTGCTGCGTGCGGATCCAGCGCCCCACGAGGTGGTCGCGCA[C>T]GGTATGGGCCAGAGCAAAGTAGTAGTCTCGTGGGGTGGCCACATTGCGGTCCTTTACGAG-3'
Protein context (NP_005600.1, residues 50-70): RDYYFALAHT[Val60Met]RDHLVGRWIR